The following is an entry in ClinVar:

NM_001080517.3(SETD5):c.3238G>A (p.Glu1080Lys)

Gene: SETD5 (SET domain containing 5; plus strand). Cytogenetic location: 3p25.3.
Variant type: single nucleotide variant.
Coding change: c.3238G>A on transcript NM_001080517.3 (MANE Select); coding-DNA position 3238, G replaced by A.
Protein change: p.Glu1080Lys; replaces glutamic acid 1080 with lysine.
Molecular consequence: missense variant.
Genome position (GRCh38, 1-based): chr3:9,473,278, G>A. VCF-style: chr3-9473278-G-A. GRCh37 (hg19) VCF-style: chr3-9514962-G-A.
Other names: c.2944G>A, p.Glu982Lys (NM_001292043.2, NM_001349451.2); short protein forms E1080K, E982K.
Identifiers: ClinVar variation 3365915 (VCV003365915.2).

ClinVar aggregate classification (germline): Uncertain significance. Review status: criteria provided, multiple submitters, no conflicts (2 of 4 stars). 2 submissions from 2 submitters: Uncertain significance (2). Last evaluated 2025-09-25.

Submissions (2):

Labcorp Genetics (formerly Invitae), Labcorp
Classification: Uncertain significance. Last evaluated: 2025-09-25. Review status: criteria provided, single submitter. Criteria: Invitae Variant Classification Sherloc (09022015). Collection method: clinical testing. Allele origin: germline.
Comment: This sequence change replaces glutamic acid, which is acidic and polar, with lysine, which is basic and polar, at codon 1080 of the SETD5 protein (p.Glu1080Lys). This variant is not present in population databases (gnomAD no frequency). This variant has not been reported in the literature in individuals affected with SETD5-related conditions. ClinVar contains an entry for this variant (Variation ID: 3365915). Invitae Evidence Modeling of protein sequence and biophysical properties (such as structural, functional, and spatial information, amino acid conservation, physicochemical variation, residue mobility, and thermodynamic stability) indicates that this missense variant is not expected to disrupt SETD5 protein function with a negative predictive value of 80%. In summary, the available evidence is currently insufficient to determine the role of this variant in disease. Therefore, it has been classified as a Variant of Uncertain Significance.

GeneDx
Classification: Uncertain significance. Last evaluated: 2023-12-16. Review status: criteria provided, single submitter. Criteria: GeneDx Variant Classification Process June 2021. Collection method: clinical testing. Allele origin: germline. Affected: yes.
Comment: Not observed at significant frequency in large population cohorts (gnomAD); In silico analysis supports that this missense variant does not alter protein structure/function; Has not been previously published as pathogenic or benign to our knowledge